The following is an entry in ClinVar:

NM_006015.6(ARID1A):c.2228A>G (p.Gln743Arg)

Gene: ARID1A (AT-rich interaction domain 1A; plus strand). Cytogenetic location: 1p36.11.
Variant type: single nucleotide variant.
Coding change: c.2228A>G on transcript NM_006015.6 (MANE Select); coding-DNA position 2228, A replaced by G.
Protein change: p.Gln743Arg; replaces glutamine 743 with arginine.
Molecular consequence: missense variant.
Genome position (GRCh38, 1-based): chr1:26,761,450, A>G. VCF-style: chr1-26761450-A-G. GRCh37 (hg19) VCF-style: chr1-27087941-A-G.
Other names: c.2228A>G, p.Gln743Arg (NM_139135.4); short protein forms Q743R.
Identifiers: ClinVar variation 1300324 (VCV001300324.2), dbSNP rs2124059823, ClinGen allele CA339154836.

ClinVar aggregate classification (germline): Uncertain significance (1 of 4 stars; one submission).

Allele frequency attached by ClinVar (database versions not stated): gnomAD exomes below 0.00001.
gnomAD v4.1: 3 of 1,614,248 alleles (0.00019%); highest among the groups gnomAD compares: Non-Finnish European, 0.00025%; no homozygotes.

Submission:

GeneDx
Classification: Uncertain significance. Last evaluated: 2021-08-22. Review status: criteria provided, single submitter. Criteria: GeneDx Variant Classification Process June 2021. Collection method: clinical testing. Allele origin: germline. Affected: yes.
Comment: Not observed at significant frequency in large population cohorts (Lek et al., 2016); In silico analysis, which includes protein predictors and evolutionary conservation, supports a deleterious effect; Has not been previously published as pathogenic or benign to our knowledge